The following is an entry in ClinVar:

NM_001903.5(CTNNA1):c.301G>C (p.Gly101Arg)

Gene: CTNNA1 (catenin alpha 1; plus strand). Cytogenetic location: 5q31.2.
Variant type: single nucleotide variant.
Coding change: c.301G>C on transcript NM_001903.5 (MANE Select); coding-DNA position 301, G replaced by C.
Protein change: p.Gly101Arg; replaces glycine 101 with arginine.
Molecular consequence: missense variant. On other transcripts: intron variant (2).
Genome position (GRCh38, 1-based): chr5:138,783,372, G>C. VCF-style: chr5-138783372-G-C. GRCh37 (hg19) VCF-style: chr5-138119061-G-C.
Other names: c.301G>C, p.Gly101Arg (NM_001323982.2, NM_001323983.1, NM_001323984.2 and 3 more transcripts); c.-6+100G>C (NM_001290310.3); c.-9+1343G>C (NM_001290309.3); short protein forms G101R.
Identifiers: ClinVar variation 4844452 (VCV004844452.1).

ClinVar aggregate classification (germline): Uncertain significance (1 of 4 stars; one submission).

Conditions:
Hereditary cancer-predisposing syndrome. Also called: Neoplastic Syndromes, Hereditary; Tumor predisposition; Hereditary Cancer Syndrome; Hereditary neoplastic syndrome. Identifiers: Orphanet 140162, MedGen C0027672, MeSH D009386, MONDO:0015356.

Submission:

Ambry Genetics
Classification: Uncertain significance for Hereditary cancer-predisposing syndrome. Last evaluated: 2026-03-04. Review status: criteria provided, single submitter. Criteria: Ambry Variant Classification Scheme 2023. Collection method: clinical testing. Allele origin: germline.
Comment: The c.301G>C variant (also known as p.G101R), located in coding exon 2 of the CTNNA1 gene, results from a G to C substitution at nucleotide position 301. The amino acid change results in glycine to arginine at codon 101, an amino acid with dissimilar properties. However, this change occurs in the last base pair of coding exon 2, which makes it likely to have some effect on normal mRNA splicing. This nucleotide position is highly conserved in available vertebrate species. In silico splice site analysis for this alteration is inconclusive; direct evidence is insufficient at this time (Ambry internal data). This amino acid position is highly conserved in available vertebrate species. In addition, this alteration is predicted to be deleterious by in silico analysis. Based on the available evidence, the clinical significance of this variant remains unclear.